The following is an entry in ClinVar:

NM_001386298.1(CIC):c.7262G>A (p.Arg2421His)

Gene: CIC (capicua transcriptional repressor; plus strand). Cytogenetic location: 19q13.2.
Variant type: single nucleotide variant.
Coding change: c.7262G>A on transcript NM_001386298.1 (MANE Select); coding-DNA position 7262, G replaced by A.
Protein change: p.Arg2421His; replaces arginine 2421 with histidine.
Molecular consequence: missense variant.
Genome position (GRCh38, 1-based): chr19:42,294,899, G>A. VCF-style: chr19-42294899-G-A. GRCh37 (hg19) VCF-style: chr19-42799051-G-A.
Other names: c.7262G>A, p.Arg2421His (NM_001304815.2); c.7259G>A, p.Arg2420His (NM_001379480.1, NM_001379482.1, NM_001439183.1); c.4529G>A, p.Arg1510His (NM_001379484.1, NM_001439191.1); c.4526G>A, p.Arg1509His (NM_001379485.1); c.7256G>A, p.Arg2419His (NM_001439184.1, NM_001439185.1, NM_001439186.1); c.7253G>A, p.Arg2418His (NM_001439187.1); c.7250G>A, p.Arg2417His (NM_001439188.1); c.4532G>A, p.Arg1511His (NM_001439189.1, NM_001439190.1); and 1 more; short protein forms R1509H, R1510H, R1511H, R1512H, R2417H, R2418H, R2419H, R2420H.
Identifiers: ClinVar variation 4530107 (VCV004530107.1).
Genomic context (GRCh38, chr19:42,294,899, plus strand): 5'-CCTTCCAGGCCCGCTATGCAGACATCTTTCCCTCCAAGGTTTGTCTGCAGTTGAAGATCC[G>A]TGAGGTGCGCCAGAAGATCATGCAGGCTGCCACTCCCACGGAGCAGCCCCCTGGAGCTGA-3'
Protein context (NP_001373227.1, residues 2411-2431): PSKVCLQLKI[Arg2421His]EVRQKIMQAA

ClinVar aggregate classification (somatic clinical impact): Tier I - Strong (1 of 4 stars; one submission).

Conditions:
Oligodendroglioma. Identifiers: Orphanet 251627, MedGen C0028945, MeSH D009837, MONDO:0016695, HP:0033681.

Submission:

Institute for Genomic Medicine (IGM) Clinical Laboratory, Nationwide Children's Hospital
Classification: Tier I - Strong for Oligodendroglioma. Assertion type: diagnostic. Clinical significance: supports diagnosis. Last evaluated: 2023-12-21. Review status: criteria provided, single submitter. Criteria: AMP/ASCO/CAP Guidelines, 2017. Collection method: clinical testing. Allele origin: somatic. Affected: yes.
Comment: Variant has Tier I (strong) clinical significance as a diagnostic inclusion criterion in oligodendroglioma, based on the following evidence: 1) Documented in one or more cancer databases (e.g., St. Jude Pecan, COSMIC, CIViC, OncoKB). 2) Appears in one or more well-established professional guidelines (e.g., World Health Organization [WHO]; National Comprehensive Cancer Network [NCCN]) as providing diagnostic, prognostic, or therapeutic information. 3) Diagnostic for a specific tumor type/classification based on well-powered studies with expert-level consensus (Evidence Level B; PMIDs: 21817013, 22072542, 22588899, 26017892, 35561840).

Literature cited by the submitters: PubMed 21817013; PubMed 22072542; PubMed 22588899; PubMed 26017892; PubMed 35561840.